The following is an entry in ClinVar:

NM_005422.4(TECTA):c.2046C>G (p.Asp682Glu)

Genes: TBCEL-TECTA (TBCEL-TECTA readthrough; plus strand), TECTA (tectorin alpha; plus strand). Cytogenetic location: 11q23.3.
Variant type: single nucleotide variant.
Coding change: c.2046C>G on transcript NM_005422.4 (MANE Select); coding-DNA position 2046, C replaced by G.
Protein change: p.Asp682Glu; replaces aspartic acid 682 with glutamic acid.
Molecular consequence: missense variant.
Genome position (GRCh38, 1-based): chr11:121,128,023, C>G. VCF-style: chr11-121128023-C-G. GRCh37 (hg19) VCF-style: chr11-120998732-C-G.
Other names: c.3003C>G, p.Asp1001Glu (NM_001378761.1); short protein forms D1001E, D682E.
Identifiers: ClinVar variation 3454663 (VCV003454663.2).

ClinVar aggregate classification (germline): Uncertain significance. Review status: criteria provided, multiple submitters, no conflicts (2 of 4 stars). 2 submissions from 2 submitters: Uncertain significance (2). Last evaluated 2025-02-04.

Conditions:
Inborn genetic diseases. Identifiers: MedGen C0950123, MeSH D030342.

gnomAD v4.1: 22 of 1,613,324 alleles (0.0014%); highest among the groups gnomAD compares: African/African-American, 0.019%; no homozygotes.

Submissions (2):

GeneDx
Classification: Uncertain significance. Last evaluated: 2025-02-04. Review status: criteria provided, single submitter. Criteria: GeneDx Variant Classification Process June 2021. Collection method: clinical testing. Allele origin: germline. Affected: yes.
Comment: In silico analysis indicates that this missense variant does not alter protein structure/function; Has not been previously published as pathogenic or benign to our knowledge; This variant is associated with the following publications: (PMID: 21520338, 31554319, 9590290)

Ambry Genetics
Classification: Uncertain significance for Inborn genetic diseases. Last evaluated: 2024-11-22. Review status: criteria provided, single submitter. Criteria: Ambry Variant Classification Scheme 2023. Collection method: clinical testing. Allele origin: germline.